The following is an entry in ClinVar:

ClinVar aggregate classification (germline): Pathogenic (1 of 4 stars; one submission).

Allele frequency attached by ClinVar (database versions not stated): gnomAD exomes below 0.00001.

Submission:

Labcorp Genetics (formerly Invitae), Labcorp
Classification: Pathogenic. Last evaluated: 2023-07-10. Review status: criteria provided, single submitter. Criteria: Invitae Variant Classification Sherloc (09022015). Collection method: clinical testing. Allele origin: germline.
Comment: For these reasons, this variant has been classified as Pathogenic. This variant has not been reported in the literature in individuals affected with SLC1A4-related conditions. This variant is not present in population databases (gnomAD no frequency). This sequence change creates a premature translational stop signal (p.Tyr317*) in the SLC1A4 gene. It is expected to result in an absent or disrupted protein product. Loss-of-function variants in SLC1A4 are known to be pathogenic (PMID: 26041762, 27848944, 30125339).

Literature cited by the submitters: PubMed 26041762; PubMed 27848944; PubMed 30125339.

NM_003038.5(SLC1A4):c.951_954del (p.Ile316_Tyr317insTer)

Gene: SLC1A4 (solute carrier family 1 member 4; plus strand). Cytogenetic location: 2p14.
Variant type: Deletion.
Coding change: c.951_954del on transcript NM_003038.5 (MANE Select); coding-DNA positions 951 to 954, 4 bases deleted (TTTT; older notation c.951_954delTTTT).
Protein change: p.Ile316_Tyr317insTer.
Molecular consequence: nonsense. On other transcripts: intron variant (1).
Genome position (GRCh38, 1-based): chr2:65,016,590-65,016,593, TTTT deleted. VCF-style (leftmost placement, unchanged base first): chr2-65016589-ATTTT-A. GRCh37 (hg19) VCF-style: chr2-65243723-ATTTT-A.
Other names: c.291_294del, p.Ile96_Tyr97insTer (NM_001348406.2, NM_001348407.2); c.141-1481_141-1478del (NM_001193493.2).
Identifiers: ClinVar variation 2987044 (VCV002987044.3), dbSNP rs2528576536, ClinGen allele CA2576986059.